The following is an entry in ClinVar:

ClinVar aggregate classification (germline): Conflicting classifications of pathogenicity. Review status: criteria provided, conflicting classifications (1 of 4 stars). 3 submissions from 3 submitters: Uncertain significance (1); Likely benign (1). 1 of the submissions does not count toward it. Last evaluated 2024-02-01.

Conditions:
ESR1-related disorder. Also called: ESR1-related condition.

Allele frequency attached by ClinVar (database versions not stated): 1000 Genomes Project 0.00060; 1000 Genomes Project 30x 0.00062; TOPMed 0.00110; gnomAD 0.00153; ExAC 0.00187; ESP Exome Variant Server 0.00200.
gnomAD v4.1: 3,281 of 1,613,672 alleles (0.2%); highest among the groups gnomAD compares: Non-Finnish European, 0.24%; 4 homozygotes.

Submissions (3):

GeneDx
Classification: Uncertain significance. Last evaluated: 2024-02-01. Review status: criteria provided, single submitter. Criteria: GeneDx Variant Classification Process June 2021. Collection method: clinical testing. Allele origin: germline. Affected: yes.
Comment: In silico analysis supports that this missense variant does not alter protein structure/function; Has not been previously published as pathogenic or benign to our knowledge; This variant is associated with the following publications: (PMID: 10619354, 31669227)

Labcorp Genetics (formerly Invitae), Labcorp
Classification: Likely benign. Last evaluated: 2019-12-31. Review status: criteria provided, single submitter. Criteria: Invitae Variant Classification Sherloc (09022015). Collection method: clinical testing. Allele origin: germline.

PreventionGenetics, part of Exact Sciences
Classification: Likely benign for ESR1-related condition. Last evaluated: 2022-02-15. Review status: no assertion criteria provided. Collection method: clinical testing. Allele origin: germline. Not counted in ClinVar's aggregate classification.
Comment: This variant is classified as likely benign based on ACMG/AMP sequence variant interpretation guidelines (Richards et al. 2015 PMID: 25741868, with internal and published modifications).

NM_000125.4(ESR1):c.478G>T (p.Gly160Cys)

Gene: ESR1 (estrogen receptor 1; plus strand). Cytogenetic location: 6q25.1.
Variant type: single nucleotide variant.
Coding change: c.478G>T on transcript NM_000125.4 (MANE Select); coding-DNA position 478, G replaced by T.
Protein change: p.Gly160Cys; replaces glycine 160 with cysteine.
Molecular consequence: missense variant. On other transcripts: 5 prime UTR variant (1).
Genome position (GRCh38, 1-based): chr6:151,842,622, G>T. VCF-style: chr6-151842622-G-T. GRCh37 (hg19) VCF-style: chr6-152163757-G-T.
Other names: c.478G>T, p.Gly160Cys (NM_001122740.2, NM_001122741.2, NM_001122742.2 and 7 more transcripts); c.-42G>T (NM_001328100.2); short protein forms G160C.
Identifiers: ClinVar variation 789512 (VCV000789512.7), dbSNP rs149308960, ClinGen allele CA4052225.